The following is an entry in ClinVar:

ClinVar aggregate classification (germline): Uncertain significance. Review status: criteria provided, multiple submitters, no conflicts (2 of 4 stars). 2 submissions from 2 submitters: Uncertain significance (2). Last evaluated 2025-07-16.

Conditions:
Neurodevelopmental disorder. Identifiers: MedGen C1535926, MeSH D065886, MONDO:0700092.

gnomAD v4.1: 1 of 1,586,594 alleles (0.000063%); highest among the groups gnomAD compares: Non-Finnish European, 0.000086%; no homozygotes.

Submissions (2):

GeneDx
Classification: Uncertain significance. Last evaluated: 2025-07-16. Review status: criteria provided, single submitter. Criteria: GeneDx Variant Classification Process June 2021. Collection method: clinical testing. Allele origin: germline. Affected: yes.
Comment: Not observed at significant frequency in large population cohorts (gnomAD); In silico analysis suggests that this missense variant does not alter protein structure/function; Has not been previously published as pathogenic or benign to our knowledge

Victorian Clinical Genetics Services, Murdoch Childrens Research Institute
Classification: Uncertain significance for Neurodevelopmental disorder. Last evaluated: 2024-10-09. Review status: criteria provided, single submitter. Criteria: ACMG Guidelines, 2015. Collection method: clinical testing. Allele origin: germline. Inheritance: Autosomal dominant inheritance. Affected: yes.
Comment: Based on the classification scheme VCGS_Germline_v1.3.4, this variant is classified as VUS-3B. Following criteria are met: 0102 - Loss of function is a known mechanism of disease in this gene and is associated with nephrotic syndrome (MONDO#0005377), ITSN1-related, and neurodevelopmental disorder (MONDO#0700092), ITSN1-related. (I) 0108 - This gene is associated with both recessive and dominant disease. Biallelic variants cause autosomal recessive nephrotic syndrome (MONDO#0005377), ITSN1-related, while monoallelic variants cause autosomal dominant neurodevelopmental disorder (MONDO#0700092), ITSN1-related (PMIDs: 29773874, 30721404, 34707297). (I) 0200 - Variant is predicted to result in a missense amino acid change from lysine to arginine. (I) 0251 - This variant is heterozygous. (I) 0301 - Variant is absent from gnomAD (both v2 and v3). (SP) 0503 - Missense variant consistently predicted to be tolerated by multiple in silico tools or not conserved in placental mammals with a minor amino acid change. (SB) 0604 - Variant is not located in an established domain, motif, hotspot or informative constraint region. (I) 0705 - No comparable missense variants have previous evidence for pathogenicity. (I) 0807 - This variant has no previous evidence of pathogenicity. (I) 0905 - No published segregation evidence has been identified for this variant. (I) 1007 - No published functional evidence has been identified for this variant. (I) 1208 - Inheritance information for this variant is not currently available in this individual. (I) Legend: (SP) - Supporting pathogenic, (I) - Information, (SB) - Supporting benign

Literature cited by the submitters: PubMed 29773874 (cited by Victorian Clinical Genetics Services, Murdoch Childrens Research Institute); PubMed 30721404 (cited by Victorian Clinical Genetics Services, Murdoch Childrens Research Institute); PubMed 34707297 (cited by Victorian Clinical Genetics Services, Murdoch Childrens Research Institute).

NM_003024.3(ITSN1):c.1658A>G (p.Lys553Arg)

Gene: ITSN1 (intersectin 1; plus strand). Cytogenetic location: 21q22.11.
Variant type: single nucleotide variant.
Coding change: c.1658A>G on transcript NM_003024.3 (MANE Select); coding-DNA position 1658, A replaced by G.
Protein change: p.Lys553Arg; replaces lysine 553 with arginine.
Molecular consequence: missense variant.
Genome position (GRCh38, 1-based): chr21:33,781,522, A>G. VCF-style: chr21-33781522-A-G. GRCh37 (hg19) VCF-style: chr21-35153826-A-G.
Other names: c.1658A>G, p.Lys553Arg (NM_001001132.2, NM_001331008.2, NM_001331009.2 and 2 more transcripts); c.1547A>G, p.Lys516Arg (NM_001331012.2); short protein forms K516R, K553R.
Identifiers: ClinVar variation 3377310 (VCV003377310.2).